The following is an entry in ClinVar:

ClinVar aggregate classification (germline): Uncertain significance (1 of 4 stars; one submission).

Conditions:
Carney complex, type 1 (CNC1). Also called: CARNEY COMPLEX, TYPE I; CARNEY MYXOMA-ENDOCRINE COMPLEX. Identifiers: Orphanet 1359, MedGen C2607929, MONDO:0008057, OMIM 160980.

Submission:

Labcorp Genetics (formerly Invitae), Labcorp
Classification: Uncertain significance for Carney complex, type 1. Last evaluated: 2025-10-29. Review status: criteria provided, single submitter. Criteria: Invitae Variant Classification Sherloc (09022015). Collection method: clinical testing. Allele origin: germline.
Comment: This sequence change replaces methionine, which is neutral and non-polar, with arginine, which is basic and polar, at codon 245 of the PRKAR1A protein (p.Met245Arg). This variant is not present in population databases (gnomAD no frequency). This variant has not been reported in the literature in individuals affected with PRKAR1A-related conditions. Invitae Evidence Modeling of protein sequence and biophysical properties (such as structural, functional, and spatial information, amino acid conservation, physicochemical variation, residue mobility, and thermodynamic stability) has been performed for this missense variant. However, the output from this modeling did not meet the statistical confidence thresholds required to predict the impact of this variant on PRKAR1A protein function. In summary, the available evidence is currently insufficient to determine the role of this variant in disease. Therefore, it has been classified as a Variant of Uncertain Significance.

NM_002734.5(PRKAR1A):c.734T>G (p.Met245Arg)

Gene: PRKAR1A (protein kinase cAMP-dependent type I regulatory subunit alpha; plus strand). Cytogenetic location: 17q24.2.
Variant type: single nucleotide variant.
Coding change: c.734T>G on transcript NM_002734.5 (MANE Select); coding-DNA position 734, T replaced by G.
Protein change: p.Met245Arg; replaces methionine 245 with arginine.
Molecular consequence: missense variant.
Genome position (GRCh38, 1-based): chr17:68,527,865, T>G. VCF-style: chr17-68527865-T-G. GRCh37 (hg19) VCF-style: chr17-66524006-T-G.
Other names: c.734T>G, p.Met245Arg (NM_001276289.2, NM_001276290.1, NM_001278433.2 and 4 more transcripts); short protein forms M245R.
Identifiers: ClinVar variation 4709597 (VCV004709597.1).